The following is an entry in ClinVar:

ClinVar aggregate classification (germline): Uncertain significance. Review status: criteria provided, multiple submitters, no conflicts (2 of 4 stars). 2 submissions from 2 submitters: Uncertain significance (2). Last evaluated 2025-05-27.

Conditions:
Arrhythmogenic right ventricular dysplasia 8 (ARVD8). Also called: ARRHYTHMOGENIC RIGHT VENTRICULAR DYSPLASIA, FAMILIAL, 8; ARRHYTHMOGENIC RIGHT VENTRICULAR CARDIOMYOPATHY 8; Arrhythmogenic Right Ventricular Dysplasia/Cardiomyopathy 8. Identifiers: MedGen C1843896, MONDO:0011831, OMIM 607450.
Arrhythmogenic cardiomyopathy with wooly hair and keratoderma. Also called: Dilated cardiomyopathy with woolly hair and keratoderma; Arrhythmogenic cardiomyopathy with woolly hair and keratoderma; Carvajal syndrome; PALMOPLANTAR KERATODERMA WITH LEFT VENTRICULAR CARDIOMYOPATHY AND WOOLLY HAIR. Identifiers: Orphanet 65282, MedGen C1854063, MONDO:0011581, OMIM 605676.
Cardiovascular phenotype. Identifiers: MedGen CN230736.

gnomAD v4.1: 5 of 1,573,012 alleles (0.00032%); highest among the groups gnomAD compares: Non-Finnish European, 0.00043%; no homozygotes.

Submissions (2):

Labcorp Genetics (formerly Invitae), Labcorp
Classification: Uncertain significance for Arrhythmogenic cardiomyopathy with wooly hair and keratoderma; Arrhythmogenic right ventricular dysplasia 8. Last evaluated: 2025-05-27. Review status: criteria provided, single submitter. Criteria: Invitae Variant Classification Sherloc (09022015). Collection method: clinical testing. Allele origin: germline.
Comment: This sequence change replaces arginine, which is basic and polar, with cysteine, which is neutral and slightly polar, at codon 45 of the DSP protein (p.Arg45Cys). This variant is not present in population databases (gnomAD no frequency). This variant has not been reported in the literature in individuals affected with DSP-related conditions. ClinVar contains an entry for this variant (Variation ID: 2074629). An algorithm developed to predict the effect of missense changes on protein structure and function (PolyPhen-2) suggests that this variant is likely to be tolerated. In summary, the available evidence is currently insufficient to determine the role of this variant in disease. Therefore, it has been classified as a Variant of Uncertain Significance.

Ambry Genetics
Classification: Uncertain significance for Cardiovascular phenotype. Last evaluated: 2024-11-04. Review status: criteria provided, single submitter. Criteria: Ambry Variant Classification Scheme 2023. Collection method: clinical testing. Allele origin: germline.
Comment: The p.R45C variant (also known as c.133C>T), located in coding exon 1 of the DSP gene, results from a C to T substitution at nucleotide position 133. The arginine at codon 45 is replaced by cysteine, an amino acid with highly dissimilar properties. This amino acid position is highly conserved in available vertebrate species. In addition, this alteration is predicted to be tolerated by in silico analysis. Based on the available evidence, the clinical significance of this variant remains unclear.

NM_004415.4(DSP):c.133C>T (p.Arg45Cys)

Genes: DSP (desmoplakin; plus strand), DSP-AS1 (DSP antisense RNA 1; minus strand). Cytogenetic location: 6p24.3.
Variant type: single nucleotide variant.
Coding change: c.133C>T on transcript NM_004415.4 (MANE Select); coding-DNA position 133, C replaced by T.
Protein change: p.Arg45Cys; replaces arginine 45 with cysteine.
Molecular consequence: missense variant.
Genome position (GRCh38, 1-based): chr6:7,542,048, C>T. VCF-style: chr6-7542048-C-T. GRCh37 (hg19) VCF-style: chr6-7542281-C-T.
Other names: c.133C>T, p.Arg45Cys (NM_001008844.3, NM_001319034.2, NM_001406591.1); short protein forms R45C.
Identifiers: ClinVar variation 2074629 (VCV002074629.4), dbSNP rs1236858821, ClinGen allele CA362675912.